The following is an entry in ClinVar:

ClinVar aggregate classification (germline): Conflicting classifications of pathogenicity. Review status: criteria provided, conflicting classifications (1 of 4 stars). 3 submissions from 3 submitters: Uncertain significance (1); Likely benign (2). Last evaluated 2026-04-17.

Conditions:
Dilated cardiomyopathy 1DD (CMD1DD). Identifiers: Orphanet 154, MedGen C2750995, MONDO:0013168, OMIM 613172.
Cardiovascular phenotype. Identifiers: MedGen CN230736.

Allele frequency attached by ClinVar (database versions not stated): TOPMed below 0.00001; gnomAD exomes 0.00001 and 0.00002.
gnomAD v4.1: 24 of 1,550,830 alleles (0.0015%); highest among the groups gnomAD compares: Non-Finnish European, 0.0019%; no homozygotes.

Submissions (3):

Women's Health and Genetics/Laboratory Corporation of America, LabCorp
Classification: Likely benign. Last evaluated: 2026-04-17. Review status: criteria provided, single submitter. Criteria: LabCorp Variant Classification Summary - May 2015. Collection method: clinical testing. Allele origin: germline.

Labcorp Genetics (formerly Invitae), Labcorp
Classification: Likely benign for Dilated cardiomyopathy 1DD. Last evaluated: 2025-12-09. Review status: criteria provided, single submitter. Criteria: Invitae Variant Classification Sherloc (09022015). Collection method: clinical testing. Allele origin: germline.

Ambry Genetics
Classification: Uncertain significance for Cardiovascular phenotype. Last evaluated: 2023-02-09. Review status: criteria provided, single submitter. Criteria: Ambry Variant Classification Scheme 2023. Collection method: clinical testing. Allele origin: germline.
Comment: The c.1801-5G>T intronic variant results from a G to T substitution 5 nucleotides upstream from coding exon 8 in the RBM20 gene. This nucleotide position is not well conserved in available vertebrate species. In silico splice site analysis predicts that this alteration will not have any significant effect on splicing. Since supporting evidence is limited at this time, the clinical significance of this alteration remains unclear.

NM_001134363.3(RBM20):c.1801-5G>T

Gene: RBM20 (RNA binding motif protein 20; plus strand). Cytogenetic location: 10q25.2.
Variant type: single nucleotide variant.
Coding change: c.1801-5G>T on transcript NM_001134363.3 (MANE Select); 5 bases into the intron before coding-DNA position 1801, G replaced by T.
Molecular consequence: intron variant.
Genome position (GRCh38, 1-based): chr10:110,810,378, G>T. VCF-style: chr10-110810378-G-T. GRCh37 (hg19) VCF-style: chr10-112570136-G-T.
Other names: c.1801-5G>T (NM_001134363.1).
Identifiers: ClinVar variation 470590 (VCV000470590.13), dbSNP rs995878595, ClinGen allele CA213222408.